The following is an entry in ClinVar:

NM_000059.4(BRCA2):c.391T>C (p.Ser131Pro)

Gene: BRCA2 (BRCA2 DNA repair associated; plus strand). Cytogenetic location: 13q13.1.
Variant type: single nucleotide variant.
Coding change: c.391T>C on transcript NM_000059.4 (MANE Select); coding-DNA position 391, T replaced by C.
Protein change: p.Ser131Pro; replaces serine 131 with proline.
Molecular consequence: missense variant. On other transcripts: non-coding transcript variant (1).
Genome position (GRCh38, 1-based): chr13:32,325,150, T>C. VCF-style: chr13-32325150-T-C. GRCh37 (hg19) VCF-style: chr13-32899287-T-C.
Other names: c.391T>C, p.Ser131Pro (NM_001432077.1, NM_001406719.1, NM_001406720.1 and 1 more transcripts); c.22T>C, p.Ser8Pro (NM_001406722.1); short protein forms S131P, S8P.
Identifiers: ClinVar variation 5033288 (VCV005033288.1).

ClinVar aggregate classification (germline): Uncertain significance (1 of 4 stars; one submission).

Conditions:
Hereditary cancer-predisposing syndrome. Also called: Neoplastic Syndromes, Hereditary; Tumor predisposition; Hereditary neoplastic syndrome; Hereditary Cancer Syndrome. Identifiers: Orphanet 140162, MedGen C0027672, MeSH D009386, MONDO:0015356.

Submission:

Ambry Genetics
Classification: Uncertain significance for Hereditary cancer-predisposing syndrome. Last evaluated: 2026-07-07. Review status: criteria provided, single submitter. Criteria: Ambry Variant Classification Scheme 2023. Collection method: clinical testing. Allele origin: germline.
Comment: The p.S131P variant (also known as c.391T>C), located in coding exon 3 of the BRCA2 gene, results from a T to C substitution at nucleotide position 391. The serine at codon 131 is replaced by proline, an amino acid with similar properties. This amino acid position is conserved. In addition, this alteration is predicted to be tolerated by in silico analysis. Based on the available evidence, the clinical significance of this variant remains unclear.